The following is an entry in ClinVar:

ClinVar aggregate classification (germline): Uncertain significance (1 of 4 stars; one submission).

Conditions:
POLD1-related polyposis and colorectal cancer syndrome (CRCS10). Also called: COLORECTAL CANCER, SUSCEPTIBILITY TO, ON CHROMOSOME 19q; Colorectal cancer 10; Colorectal cancer, susceptibility to, 10. Identifiers: Orphanet 220460, MedGen C2675481, MONDO:0012953, OMIM 612591.

Submission:

Labcorp Genetics (formerly Invitae), Labcorp
Classification: Uncertain significance for POLD1-related polyposis and colorectal cancer syndrome. Last evaluated: 2025-03-07. Review status: criteria provided, single submitter. Criteria: Invitae Variant Classification Sherloc (09022015). Collection method: clinical testing. Allele origin: germline.
Comment: This sequence change creates a premature translational stop signal (p.Glu484*) in the POLD1 gene. It is expected to result in an absent or disrupted protein product. However, the current clinical and genetic evidence is not sufficient to establish whether loss-of-function variants in POLD1 cause disease. This variant is not present in population databases (gnomAD no frequency). This variant has not been reported in the literature in individuals affected with POLD1-related conditions. In summary, the available evidence is currently insufficient to determine the role of this variant in disease. Therefore, it has been classified as a Variant of Uncertain Significance.

NM_002691.4(POLD1):c.1450G>T (p.Glu484Ter)

Gene: POLD1 (DNA polymerase delta 1, catalytic subunit; plus strand). Cytogenetic location: 19q13.33.
Variant type: single nucleotide variant.
Coding change: c.1450G>T on transcript NM_002691.4 (MANE Select); coding-DNA position 1450, G replaced by T.
Protein change: p.Glu484Ter; replaces glutamic acid 484 with a stop codon.
Molecular consequence: nonsense. On other transcripts: non-coding transcript variant (1).
Genome position (GRCh38, 1-based): chr19:50,406,473, G>T. VCF-style: chr19-50406473-G-T. GRCh37 (hg19) VCF-style: chr19-50909730-G-T.
Other names: c.1450G>T, p.Glu484Ter (NM_001438210.1, NM_001438211.1, NM_001438212.1 and 3 more transcripts); short protein forms E484*.
Identifiers: ClinVar variation 4809834 (VCV004809834.1).